The following is an entry in ClinVar:

ClinVar aggregate classification (germline): Uncertain significance (1 of 4 stars; one submission).

Conditions:
Cardiovascular phenotype. Identifiers: MedGen CN230736.

Allele frequency attached by ClinVar (database versions not stated): gnomAD exomes below 0.00001; ExAC 0.00002.
gnomAD v4.1: 6 of 1,612,534 alleles (0.00037%); highest among the groups gnomAD compares: Admixed American, 0.0067%; no homozygotes.

Submission:

Ambry Genetics
Classification: Uncertain significance for Cardiovascular phenotype. Last evaluated: 2019-07-16. Review status: criteria provided, single submitter. Criteria: Ambry Variant Classification Scheme 2023. Collection method: clinical testing. Allele origin: germline.
Comment: The p.F953L variant (also known as c.2857T>C), located in coding exon 36 of the CACNA2D1 gene, results from a T to C substitution at nucleotide position 2857. The phenylalanine at codon 953 is replaced by leucine, an amino acid with highly similar properties. This amino acid position is well conserved in available vertebrate species; however, leucine is the reference amino acid in other vertebrate species. In addition, this alteration is predicted to be tolerated by in silico analysis. Since supporting evidence is limited at this time, the clinical significance of this alteration remains unclear.

NM_000722.4(CACNA2D1):c.2857T>C (p.Phe953Leu)

Gene: CACNA2D1 (calcium voltage-gated channel auxiliary subunit alpha2delta 1; minus strand). Cytogenetic location: 7q21.11.
Variant type: single nucleotide variant.
Coding change: c.2857T>C on transcript NM_000722.4 (MANE Select); coding-DNA position 2857, T replaced by C.
Protein change: p.Phe953Leu; replaces phenylalanine 953 with leucine.
Molecular consequence: missense variant.
Genome position (GRCh38, 1-based): chr7:81,962,003, A>G on the plus strand (T>C on the coding strand, the complement: CACNA2D1 is on the minus strand). VCF-style: chr7-81962003-A-G. GRCh37 (hg19) VCF-style: chr7-81591319-A-G.
Other names: c.2893T>C, p.Phe965Leu (NM_001366867.1); short protein forms F953L, F965L.
Identifiers: ClinVar variation 1796901 (VCV001796901.2), dbSNP rs745875905, ClinGen allele CA4317456.
Genomic context (GRCh38, chr7:81,962,003, plus strand): 5'-TATCGAAGAAATACTGGGTTTGTTCAGTAATGCAGCTCTGCTTGGACAGGGAGGCCGTGA[A>G]GTCATCATCCTCCATCTCAACTTGGGTGGCGGGGGACGGTGTAAAAACAAAGAACACCAT-3'
Protein context (NP_000713.2, residues 943-963): LEAVEMEDDD[Phe953Leu]TASLSKQSCI